The following is an entry in ClinVar:

ClinVar aggregate classification (germline): Uncertain significance (1 of 4 stars; one submission).

Conditions:
Congenital anomalies of kidney and urinary tract 1. Also called: Congenital anomalies of kidney and urinary tract 1, susceptibility to; Renal hypodysplasia, nonsyndromic, 1. Identifiers: MedGen C1835826, MONDO:0012561, OMIM 610805.
Hereditary spastic paraplegia 23. Also called: LISON SYNDROME; SPASTIC PARAPARESIS, VITILIGO, PREMATURE GRAYING, CHARACTERISTIC FACIES; SPASTIC PARAPLEGIA WITH PIGMENTARY ABNORMALITIES. Identifiers: Orphanet 101003, MedGen C0796019, MONDO:0010046, OMIM 270750.

Allele frequency attached by ClinVar (database versions not stated): gnomAD exomes below 0.00001.
gnomAD v4.1: 9 of 1,614,122 alleles (0.00056%); highest among the groups gnomAD compares: South Asian, 0.0011%; no homozygotes.

Submission:

Labcorp Genetics (formerly Invitae), Labcorp
Classification: Uncertain significance. Last evaluated: 2022-01-16. Review status: criteria provided, single submitter. Criteria: Invitae Variant Classification Sherloc (09022015). Collection method: clinical testing. Allele origin: germline.
Comment: This variant is present in population databases (no rsID available, gnomAD 0.0009%). This sequence change replaces arginine, which is basic and polar, with glutamine, which is neutral and polar, at codon 660 of the DSTYK protein (p.Arg660Gln). This variant has not been reported in the literature in individuals affected with DSTYK-related conditions. Algorithms developed to predict the effect of missense changes on protein structure and function (SIFT, PolyPhen-2, Align-GVGD) all suggest that this variant is likely to be disruptive. In summary, the available evidence is currently insufficient to determine the role of this variant in disease. Therefore, it has been classified as a Variant of Uncertain Significance.

NM_015375.3(DSTYK):c.1979G>A (p.Arg660Gln)

Gene: DSTYK (dual serine/threonine and tyrosine protein kinase; minus strand). Cytogenetic location: 1q32.1.
Variant type: single nucleotide variant.
Coding change: c.1979G>A on transcript NM_015375.3 (MANE Select); coding-DNA position 1979, G replaced by A.
Protein change: p.Arg660Gln; replaces arginine 660 with glutamine.
Molecular consequence: missense variant.
Genome position (GRCh38, 1-based): chr1:205,160,240, C>T on the plus strand (G>A on the coding strand, the complement: DSTYK is on the minus strand). VCF-style: chr1-205160240-C-T. GRCh37 (hg19) VCF-style: chr1-205129368-C-T.
Other names: c.1979G>A, p.Arg660Gln (NM_199462.3); c.1979G>A (NM_015375.2); short protein forms R660Q.
Identifiers: ClinVar variation 1952039 (VCV001952039.6), dbSNP rs1035239987, ClinGen allele CA36425229.